The following is an entry in ClinVar:

ClinVar aggregate classification (germline): Pathogenic. Review status: criteria provided, single submitter (1 of 4 stars). 2 submissions from 2 submitters: Pathogenic (1). 1 of the submissions does not count toward it. Last evaluated 2022-06-13.

Conditions:
Bardet-Biedl syndrome (BBS). Identifiers: Orphanet 110, MedGen C0752166, MONDO:0015229.

Submissions (2):

Labcorp Genetics (formerly Invitae), Labcorp
Classification: Pathogenic for Bardet-Biedl syndrome. Last evaluated: 2022-06-13. Review status: criteria provided, single submitter. Criteria: Invitae Variant Classification Sherloc (09022015). Collection method: clinical testing. Allele origin: germline.
Comment: For these reasons, this variant has been classified as Pathogenic. This variant disrupts a region of the BBS1 protein in which other variant(s) (p.Ser16Cys) have been observed in individuals with BBS1-related conditions (PMID: 31196119). This suggests that this is a clinically significant region of the protein, and that variants that disrupt it are likely to be disease-causing. ClinVar contains an entry for this variant (Variation ID: 21708). Disruption of the initiator codon has been observed in individual(s) with Bardet-Biedl syndrome (PMID: 12524598, 17980398). This variant is not present in population databases (gnomAD no frequency). This sequence change affects the initiator methionine of the BBS1 mRNA. The next in-frame methionine is located at codon 31.

GeneReviews
Classification: Pathogenic for Bardet-Biedl Syndrome. Last evaluated: 2009-10-13. Review status: no assertion criteria provided. Collection method: curation. Allele origin: unknown. Not counted in ClinVar's aggregate classification.
ClinVar note: Converted during submission from pathologic to Pathogenic.

Literature cited by the submitters: PubMed 31196119 (cited by Labcorp Genetics (formerly Invitae), Labcorp); PubMed 12524598 (cited by Labcorp Genetics (formerly Invitae), Labcorp); PubMed 17980398 (cited by Labcorp Genetics (formerly Invitae), Labcorp).

NM_024649.5(BBS1):c.-3_37del (p.Met1fs)

Gene: BBS1 (Bardet-Biedl syndrome 1; plus strand). Cytogenetic location: 11q13.2.
Variant type: Deletion.
Coding change: c.-3_37del on transcript NM_024649.5 (MANE Select); 3 bases upstream of the start codon through coding-DNA position 37, 40 bases deleted.
Protein change: p.Met1fs; shifts the reading frame from methionine 1.
Molecular consequence: frameshift variant, initiator codon variant.
Genome position (GRCh38, 1-based): chr11:66,510,657-66,510,696, 40 bases deleted; deleting any 40 consecutive bases within chr11:66,510,646-66,510,696 gives the same sequence; the c. name uses the placement nearest the transcript's 3' end. GRCh37 (hg19): chr11:66,278,128-66,278,167.
Other names: c.(-3)_37del; short protein forms M1fs.
Identifiers: ClinVar variation 21708 (VCV000021708.8), dbSNP rs113994178, ClinGen allele CA342398.